The following is an entry in ClinVar:

NM_000051.4(ATM):c.3517T>C (p.Leu1173=)

Gene: ATM (ATM serine/threonine kinase; plus strand). Cytogenetic location: 11q22.3.
Variant type: single nucleotide variant.
Coding change: c.3517T>C on transcript NM_000051.4 (MANE Select); coding-DNA position 3517, T replaced by C.
Protein change: p.Leu1173=; no amino-acid change (leucine 1173 retained).
Molecular consequence: synonymous variant.
Genome position (GRCh38, 1-based): chr11:108,281,109, T>C. VCF-style: chr11-108281109-T-C. GRCh37 (hg19) VCF-style: chr11-108151836-T-C.
Other names: p.L1173L:TTG>CTG; c.3517T>C, p.Leu1173= (NM_001351834.2).
Identifiers: ClinVar variation 136442 (VCV000136442.45), dbSNP rs141460670, ClinGen allele CA289561.

ClinVar aggregate classification (germline): Benign/Likely benign. Review status: criteria provided, multiple submitters, no conflicts (2 of 4 stars). 20 submissions from 20 submitters: Benign (8); Likely benign (9). 3 of the submissions do not count toward it. Last evaluated 2026-01-28.

Conditions:
Breast and/or ovarian cancer. Identifiers: MedGen CN221562.
Hereditary cancer-predisposing syndrome. Also called: Tumor predisposition; Hereditary neoplastic syndrome; Hereditary Cancer Syndrome; Neoplastic Syndromes, Hereditary. Identifiers: Orphanet 140162, MedGen C0027672, MeSH D009386, MONDO:0015356.
Familial cancer of breast. Also called: Hereditary breast cancer; hereditary breast carcinoma; BREAST CANCER, FAMILIAL. Identifiers: Orphanet 227535, MedGen C0346153, MONDO:0016419, OMIM 114480. Disease mechanism: loss of function.
Ataxia-telangiectasia syndrome (AT). Also called: ATAXIA-TELANGIECTASIA, COMPLEMENTATION GROUP A; ATAXIA-TELANGIECTASIA, FRESNO VARIANT; Ataxia-telangiectasia; Ataxia-telangiectasia, complementation group D; AT, COMPLEMENTATION GROUP C; Ataxia-telangiectasia, complementation group E. Identifiers: Orphanet 100, MedGen C0004135, MONDO:0008840, OMIM 208900.
Malignant tumor of breast. Also called: Cancer breast; Malignant breast neoplasm. Identifiers: MedGen C0006142, MONDO:0007254. Disease mechanism: loss of function.

Allele frequency attached by ClinVar (database versions not stated): ExAC 0.00019; 1000 Genomes Project 0.00060; 1000 Genomes Project 30x 0.00062; gnomAD 0.00072 and 0.00079; ESP Exome Variant Server 0.00085; TOPMed 0.00087.
gnomAD v4.1: 224 of 1,614,060 alleles (0.014%); highest among the groups gnomAD compares: African/African-American, 0.24%; 1 homozygote.

Submissions (20):

Labcorp Genetics (formerly Invitae), Labcorp
Classification: Benign for Ataxia-telangiectasia syndrome. Last evaluated: 2026-01-28. Review status: criteria provided, single submitter. Criteria: Invitae Variant Classification Sherloc (09022015). Collection method: clinical testing. Allele origin: germline.

CeGaT Center for Human Genetics Tuebingen
Classification: Likely benign. Last evaluated: 2025-07-01. Review status: criteria provided, single submitter. Criteria: CeGaT Center For Human Genetics Tuebingen Variant Classification Criteria Version 2. Collection method: clinical testing. Allele origin: germline. Affected: yes. Observed: 1 variant allele.
Comment: ATM: BP4, BP7

Molecular Diagnostics Laboratory, Catalan Institute of Oncology
Classification: Likely benign for Hereditary cancer-predisposing syndrome. Last evaluated: 2025-06-18. Review status: criteria provided, single submitter. Criteria: ClinGen ACMG Specifications ATM V1.1.0. Collection method: clinical testing. Allele origin: germline.
Comment: BS1, BP4, BP7 c.3517T>C, located in exon 24 of the ATM gene, is predicted to result in no amino acid change, p.(Leu1173=) (BP7). This variant is found in 59/23,608 at a filtering allele frequency of 0.2% in the gnomAD v2.1.1 database (African non-cancer dataset) (BS1). The SpliceAI algorithm predicts no significant impact on splicing (BP4). To our knowledge, functional studies have not been reported for this variant. In addition, the variant was also identified in the ClinVar database (8� benign, 9� likely benign) but is not present in the LOVD database. Based on currently available information, the variant c.3517T>C is classified as a likely benign variant according to ClinGen-ATM Guidelines version 1.1.

Institute for Biomarker Research, Medical Diagnostic Laboratories, L.L.C.
Classification: Benign for Hereditary cancer-predisposing syndrome. Last evaluated: 2025-01-30. Review status: criteria provided, single submitter. Criteria: ACMG Guidelines, 2015. Collection method: clinical testing. Allele origin: germline.
Comment: The synonymous variant NM_000051.4(ATM):c.3517T>C (p.Leu1173=) has been reported to ClinVar as Benign/Likely benign with a status of (2 stars) criteria provided, multiple submitters, no conflicts (Variation ID 136442 as of 2025-01-02).The p.Leu1173= variant is observed in 3/5,008 (0.0599%) alleles from individuals of 1kG All background in 1kG, which is greater than expected for the disorder. The p.Leu1173= variant is not predicted to disrupt an existing splice site. The p.Leu1173= variant results in a substitution of a base that is not predicted conserved by GERP++ and PhyloP. For these reasons, this variant has been classified as Benign

Myriad Genetics, Inc.
Classification: Benign for Familial cancer of breast. Last evaluated: 2024-05-14. Review status: criteria provided, single submitter. Criteria: Myriad Autosomal Dominant, Autosomal Recessive and X-Linked Classification Criteria (2023). Collection method: clinical testing. Allele origin: unknown.
Comment: This variant is considered benign. This variant is a silent/synonymous amino acid change and it is not expected to impact splicing.

Blueprint Genetics
Classification: Likely benign. Last evaluated: 2024-04-22. Review status: criteria provided, single submitter. Criteria: ACMG Guidelines, 2015. Collection method: clinical testing. Allele origin: germline.

KCCC/NGS Laboratory, Kuwait Cancer Control Center
Classification: Benign for Familial cancer of breast. Last evaluated: 2023-07-07. Review status: criteria provided, single submitter. Criteria: ACMG Guidelines, 2015. Collection method: clinical testing. Allele origin: germline. Affected: yes.

Sema4
Classification: Likely benign for Hereditary cancer-predisposing syndrome. Last evaluated: 2021-01-28. Review status: criteria provided, single submitter. Criteria: Sema4 Curation Guidelines. Collection method: curation. Allele origin: germline.

CHEO Genetics Diagnostic Laboratory, Children's Hospital of Eastern Ontario
Classification: Likely benign for Breast and/or ovarian cancer. Last evaluated: 2019-09-09. Review status: criteria provided, single submitter. Criteria: ACMG Guidelines, 2015. Collection method: clinical testing. Allele origin: germline.

Athena Diagnostics
Classification: Benign. Last evaluated: 2019-05-01. Review status: criteria provided, single submitter. Criteria: Athena Diagnostics Criteria. Collection method: clinical testing. Allele origin: germline.

Quest Diagnostics Nichols Institute San Juan Capistrano
Classification: Benign. Last evaluated: 2019-05-01. Review status: criteria provided, single submitter. Criteria: Quest Diagnostics criteria. Collection method: clinical testing. Allele origin: unknown.

Women's Health and Genetics/Laboratory Corporation of America, LabCorp
Classification: Benign. Last evaluated: 2018-12-14. Review status: criteria provided, single submitter. Criteria: LabCorp Variant Classification Summary - May 2015. Collection method: clinical testing. Allele origin: germline.
Comment: Variant summary: ATM c.3517T>C alters a non-conserved nucleotide resulting in a synonymous change. 5/5 computational tools predict no significant impact on normal splicing. However, these predictions have yet to be confirmed by functional studies. The variant allele was found at a frequency of 0.00022 in 277144 control chromosomes, predominantly at a frequency of 0.0023 within the African subpopulation in the gnomAD database. The observed variant frequency within African control individuals in the gnomAD database is approximately 2.3 fold of the estimated maximal expected allele frequency for a pathogenic variant in ATM causing Breast Cancer phenotype (0.001), strongly suggesting that the variant is a benign polymorphism found primarily in populations of African origin. To our knowledge, no occurrence of c.3517T>C in individuals affected with Breast Cancer and no experimental evidence demonstrating its impact on protein function have been reported. Co-occurrences with other pathogenic variant(s) have been reported (BRCA1 c.1386delG), providing supporting evidence for a benign role. Three clinical diagnostic laboratories have submitted clinical-significance assessments for this variant to ClinVar after 2014 without evidence for independent evaluation. All laboratories classified the variant as benign/likely benign. Based on the evidence outlined above, the variant was classified as benign.

Eurofins Ntd Llc (ga)
Classification: Likely benign. Last evaluated: 2018-05-29. Review status: criteria provided, single submitter. Criteria: EGL ClinVar v180209 classification definitions. Collection method: clinical testing. Allele origin: germline. Observed: 1 variant allele, 1 heterozygote.

Color Diagnostics, LLC DBA Color Health
Classification: Likely benign for Hereditary cancer-predisposing syndrome. Last evaluated: 2015-09-22. Review status: criteria provided, single submitter. Criteria: ACMG Guidelines, 2015. Collection method: clinical testing. Allele origin: germline.

Genetic Services Laboratory, University of Chicago
Classification: Likely benign. Last evaluated: 2015-09-02. Review status: criteria provided, single submitter. Criteria: ACMG Guidelines, 2015. Collection method: clinical testing. Allele origin: germline. Affected: no.

Ambry Genetics
Classification: Likely benign for Hereditary cancer-predisposing syndrome. Last evaluated: 2014-09-29. Review status: criteria provided, single submitter. Criteria: Ambry Variant Classification Scheme 2023. Collection method: clinical testing. Allele origin: germline.

GeneDx
Classification: Benign. Last evaluated: 2014-02-03. Review status: criteria provided, single submitter. Criteria: GeneDx Variant Classification (06012015). Collection method: clinical testing. Allele origin: germline. Affected: yes.
Comment: This variant is considered likely benign or benign based on one or more of the following criteria: it is a conservative change, it occurs at a poorly conserved position in the protein, it is predicted to be benign by multiple in silico algorithms, and/or has population frequency not consistent with disease.

Clinical Genetics DNA and cytogenetics Diagnostics Lab, Erasmus MC, Erasmus Medical Center
Classification: Likely benign. Review status: no assertion criteria provided. Collection method: clinical testing. Allele origin: germline. Affected: yes. Study: VKGL Data-share Consensus. Not counted in ClinVar's aggregate classification.

Department of Pathology and Laboratory Medicine, Sinai Health System
Classification: Likely benign for Malignant tumor of breast. Review status: no assertion criteria provided. Collection method: clinical testing. Allele origin: unknown. Affected: yes. Study: The Canadian Open Genetics Repository (COGR). Not counted in ClinVar's aggregate classification.
Comment: The ATM p.Leu1173= variant was not identified in the literature. The variant was identified in dbSNP (ID: rs141460670) as "With other allele", ClinVar (classified as benign by GeneDx and Invitae; likely benign by Ambry Genetics, University of Chicago, Color Genomics and EGL Genetic Diagnostics), LOVD 3.0 (classified as likely benign by VKGL data sharing initiative).The variant was identified in control databases in 60 of 277144 chromosomes at a frequency of 0.0002 increasing the likelihood this could be a low frequency benign variant (Genome Aggregation Database Feb 27, 2017). The variant was observed in the following populations: African in 56 of 24030 chromosomes (freq: 0.002), Other in 1 of 6466 chromosomes (freq: 0.0002), Latino in 2 of 34420 chromosomes (freq: 0.00006), European Non-Finnish in 1 of 126642 chromosomes (freq: 0.000008), while the variant was not observed in the Ashkenazi Jewish, East Asian, European Finnish, and South Asian populations. The p.Leu1173= variant is not expected to have clinical significance because it does not result in a change of amino acid and is not located in a known consensus splice site and the nucleotide is not conserved in mammals. In addition, in silico or computational prediction software programs (SpliceSiteFinder, MaxEntScan, NNSPLICE, GeneSplicer) do not predict a difference in splicing. The variant occurs outside of the splicing consensus sequence and in silico or computational prediction software programs (SpliceSiteFinder, MaxEntScan, NNSPLICE, GeneSplicer) do not predict a difference in splicing. In summary, based on the above information the clinical significance of this variant cannot be determined with certainty at this time although we would lean towards a more benign role for this variant. This variant is classified as likely benign.

Genome Diagnostics Laboratory, University Medical Center Utrecht
Classification: Likely benign. Review status: no assertion criteria provided. Collection method: clinical testing. Allele origin: germline. Affected: yes. Study: VKGL Data-share Consensus. Not counted in ClinVar's aggregate classification.

Literature cited by the submitters: PubMed 28779002 (cited by Athena Diagnostics and Quest Diagnostics Nichols Institute San Juan Capistrano).